The following is an entry in ClinVar:

NM_001267550.2(TTN):c.84979del (p.Val28327fs)

Genes: TTN (titin; minus strand), TTN-AS1 (TTN antisense RNA 1; plus strand). Cytogenetic location: 2q31.2.
Variant type: Deletion.
Coding change: c.84979del on transcript NM_001267550.2 (MANE Select); coding-DNA position 84979, one base deleted (G; older notation c.84979delG).
Protein change: p.Val28327fs; shifts the reading frame from valine 28327.
Molecular consequence: frameshift variant.
Genome position (GRCh38, 1-based): chr2:178,561,153, C deleted on the plus strand (G on the coding strand, the reverse complement: TTN is on the minus strand); the first of 3 consecutive C bases (chr2:178,561,153-178,561,155); deleting any one gives the same sequence. VCF-style (leftmost placement, unchanged base first): chr2-178561152-AC-A. GRCh37 (hg19) VCF-style: chr2-179425879-AC-A.
Other names: c.80056del, p.Val26686fs (NM_001256850.1); c.57784del, p.Val19262fs (NM_003319.4); c.77275del, p.Val25759fs (NM_133378.4); c.58159del, p.Val19387fs (NM_133432.3); c.58360del, p.Val19454fs (NM_133437.4); c.57784delG (NM_003319.4); short protein forms V19454fs, V19262fs, V26686fs, V28327fs, V19387fs, V25759fs.
Identifiers: ClinVar variation 3330044 (VCV003330044.1).

ClinVar aggregate classification (germline): Likely pathogenic (1 of 4 stars; one submission).

Conditions:
Cardiovascular phenotype. Identifiers: MedGen CN230736.

Submission:

Ambry Genetics
Classification: Likely pathogenic for Cardiovascular phenotype. Last evaluated: 2024-04-11. Review status: criteria provided, single submitter. Criteria: Ambry Variant Classification Scheme 2023. Collection method: clinical testing. Allele origin: germline.
Comment: The c.57784delG variant, located in coding exon 153 of the TTN gene, results from a deletion of one nucleotide at nucleotide position 57784, causing a translational frameshift with a predicted alternate stop codon (p.V19262Ffs*21). This exon is located in the A-band region of the N2-B isoform of the titin protein and is constitutively expressed in TTN transcripts (percent spliced in or PSI 100%). This variant is considered to be rare based on population cohorts in the Genome Aggregation Database (gnomAD). This alteration is expected to result in loss of function by premature protein truncation or nonsense-mediated mRNA decay. While truncating variants in TTN are present in 1-3% of the general population, truncating variants in the A-band are the most common cause of dilated cardiomyopathy (DCM) (Herman DS et al. N. Engl. J. Med., 2012 Feb;366:619-28; Roberts AM et al. Sci Transl Med, 2015 Jan;7:270ra6). TTN truncating variants encoded in constitutive exons (PSI >90%) have been found to be significantly associated with DCM regardless of their position in titin (Schafer S et al. Nat. Genet., 2017 01;49:46-53). Based on the majority of available evidence to date, this variant is likely to be pathogenic.